The following is an entry in ClinVar:

ClinVar aggregate classification (germline): Conflicting classifications of pathogenicity. Review status: criteria provided, conflicting classifications (1 of 4 stars). 4 submissions from 4 submitters: Uncertain significance (3); Likely benign (1). Last evaluated 2024-09-27.

Conditions:
Inborn genetic diseases. Identifiers: MedGen C0950123, MeSH D030342.
Microcephaly 2, primary, autosomal recessive, with or without cortical malformations. Also called: MICROCEPHALY 2, PRIMARY, AUTOSOMAL RECESSIVE, WITH CORTICAL MALFORMATIONS; WDR62 Primary Microcephaly. Identifiers: Orphanet 2512, MedGen C1858535, MONDO:0011435, OMIM 604317.

Allele frequency attached by ClinVar (database versions not stated): gnomAD 0.00007; ExAC 0.00010; TOPMed 0.00004; gnomAD exomes 0.00006.
gnomAD v4.1: 50 of 1,614,026 alleles (0.0031%); highest among the groups gnomAD compares: Admixed American, 0.013%; no homozygotes.

Submissions (4):

Ambry Genetics
Classification: Likely benign for Inborn genetic diseases. Last evaluated: 2024-09-27. Review status: criteria provided, single submitter. Criteria: Ambry Variant Classification Scheme 2023. Collection method: clinical testing. Allele origin: germline.

Labcorp Genetics (formerly Invitae), Labcorp
Classification: Uncertain significance. Last evaluated: 2024-05-29. Review status: criteria provided, single submitter. Criteria: Invitae Variant Classification Sherloc (09022015). Collection method: clinical testing. Allele origin: germline.
Comment: This sequence change replaces arginine, which is basic and polar, with histidine, which is basic and polar, at codon 922 of the WDR62 protein (p.Arg922His). This variant is present in population databases (rs749718711, gnomAD 0.01%). This variant has not been reported in the literature in individuals affected with WDR62-related conditions. ClinVar contains an entry for this variant (Variation ID: 978178). Advanced modeling of protein sequence and biophysical properties (such as structural, functional, and spatial information, amino acid conservation, physicochemical variation, residue mobility, and thermodynamic stability) performed at Invitae indicates that this missense variant is not expected to disrupt WDR62 protein function with a negative predictive value of 80%. In summary, the available evidence is currently insufficient to determine the role of this variant in disease. Therefore, it has been classified as a Variant of Uncertain Significance.

New York Genome Center
Classification: Uncertain significance for Microcephaly 2, primary, autosomal recessive, with or without cortical malformations. Last evaluated: 2022-01-07. Review status: criteria provided, single submitter. Criteria: NYGC Assertion Criteria 2020. Collection method: clinical testing. Allele origin: germline. Observed: 1 heterozygote. Study: CSER-NYCKidSeq.

GeneDx
Classification: Uncertain significance. Last evaluated: 2020-10-23. Review status: criteria provided, single submitter. Criteria: GeneDx Variant Classification Process June 2021. Collection method: clinical testing. Allele origin: germline. Affected: yes.
Comment: In silico analysis, which includes protein predictors and evolutionary conservation, supports that this variant does not alter protein structure/function; Has not been previously published as pathogenic or benign to our knowledge

NM_001083961.2(WDR62):c.2765G>A (p.Arg922His)

Gene: WDR62 (WD repeat domain 62; plus strand). Cytogenetic location: 19q13.12.
Variant type: single nucleotide variant.
Coding change: c.2765G>A on transcript NM_001083961.2 (MANE Select); coding-DNA position 2765, G replaced by A.
Protein change: p.Arg922His; replaces arginine 922 with histidine.
Molecular consequence: missense variant.
Genome position (GRCh38, 1-based): chr19:36,100,773, G>A. VCF-style: chr19-36100773-G-A. GRCh37 (hg19) VCF-style: chr19-36591675-G-A.
Other names: c.2765G>A, p.Arg922His (NM_173636.5); short protein forms R922H.
Identifiers: ClinVar variation 978178 (VCV000978178.9), dbSNP rs749718711, ClinGen allele CA9396052.